The following is an entry in ClinVar:

NM_004820.5(CYP7B1):c.1079del (p.Leu360fs)

Gene: CYP7B1 (cytochrome P450 family 7 subfamily B member 1; minus strand). Cytogenetic location: 8q12.3.
Variant type: Deletion.
Coding change: c.1079del on transcript NM_004820.5 (MANE Select); coding-DNA position 1079, one base deleted (T; older notation c.1079delT).
Protein change: p.Leu360fs; shifts the reading frame from leucine 360.
Molecular consequence: frameshift variant.
Genome position (GRCh38, 1-based): chr8:64,604,836, A deleted on the plus strand (T on the coding strand, the reverse complement: CYP7B1 is on the minus strand); the first of 3 consecutive A bases (chr8:64,604,836-64,604,838); deleting any one gives the same sequence. VCF-style (leftmost placement, unchanged base first): chr8-64604835-TA-T. GRCh37 (hg19) VCF-style: chr8-65517392-TA-T.
Other names: c.1079del, p.Leu360fs (NM_001324112.2); short protein forms L360fs.
Identifiers: ClinVar variation 2799932 (VCV002799932.1), dbSNP rs762842997, ClinGen allele CA4764054.

ClinVar aggregate classification (germline): Pathogenic (1 of 4 stars; one submission).

Conditions:
Spastic paraplegia. Identifiers: MedGen C0037772, HP:0001258.

Submission:

Labcorp Genetics (formerly Invitae), Labcorp
Classification: Pathogenic for Spastic paraplegia. Last evaluated: 2023-10-28. Review status: criteria provided, single submitter. Criteria: Invitae Variant Classification Sherloc (09022015). Collection method: clinical testing. Allele origin: germline.
Comment: This sequence change creates a premature translational stop signal (p.Leu360Tyrfs*17) in the CYP7B1 gene. It is expected to result in an absent or disrupted protein product. Loss-of-function variants in CYP7B1 are known to be pathogenic (PMID: 9802883, 19363635, 19439420, 21541746, 21567895, 28039895). This variant is present in population databases (rs762842997, gnomAD 0.002%). This variant has not been reported in the literature in individuals affected with CYP7B1-related conditions. For these reasons, this variant has been classified as Pathogenic.

Literature cited by the submitters: PubMed 9802883; PubMed 19363635; PubMed 19439420; PubMed 21541746; PubMed 21567895; PubMed 28039895.